The following is an entry in ClinVar:

NM_001142416.2(AIMP1):c.363G>T (p.Lys121Asn)

Gene: AIMP1 (aminoacyl tRNA synthetase complex interacting multifunctional protein 1; plus strand). Cytogenetic location: 4q24.
Variant type: single nucleotide variant.
Coding change: c.363G>T on transcript NM_001142416.2 (MANE Select); coding-DNA position 363, G replaced by T.
Protein change: p.Lys121Asn; replaces lysine 121 with asparagine.
Molecular consequence: missense variant.
Genome position (GRCh38, 1-based): chr4:106,328,215, G>T. VCF-style: chr4-106328215-G-T. GRCh37 (hg19) VCF-style: chr4-107249372-G-T.
Other names: c.363G>T, p.Lys121Asn (NM_001142415.2, NM_004757.4); short protein forms K121N.
Identifiers: ClinVar variation 1992165 (VCV001992165.2), dbSNP rs143898497, ClinGen allele CA3035695.

ClinVar aggregate classification (germline): Uncertain significance (1 of 4 stars; one submission).

gnomAD v4.1: 24 of 1,611,074 alleles (0.0015%); highest among the groups gnomAD compares: Admixed American, 0.0067%; no homozygotes.

Submission:

Labcorp Genetics (formerly Invitae), Labcorp
Classification: Uncertain significance. Last evaluated: 2023-07-07. Review status: criteria provided, single submitter. Criteria: Invitae Variant Classification Sherloc (09022015). Collection method: clinical testing. Allele origin: germline.
Comment: In summary, the available evidence is currently insufficient to determine the role of this variant in disease. Therefore, it has been classified as a Variant of Uncertain Significance. An algorithm developed to predict the effect of missense changes on protein structure and function (PolyPhen-2) suggests that this variant¬†is likely to be tolerated. ClinVar contains an entry for this variant (Variation ID: 1992165). This variant has not been reported in the literature in individuals affected with AIMP1-related conditions. This variant is present in population databases (rs143898497, gnomAD 0.009%). This sequence change replaces lysine, which is basic and polar, with asparagine, which is neutral and polar, at codon 121 of the AIMP1 protein (p.Lys121Asn).